The following is an entry in ClinVar:

NM_001376.5(DYNC1H1):c.5433+4A>G

Gene: DYNC1H1 (dynein cytoplasmic 1 heavy chain 1; plus strand). Cytogenetic location: 14q32.31.
Variant type: single nucleotide variant.
Coding change: c.5433+4A>G on transcript NM_001376.5 (MANE Select); 4 bases into the intron after coding-DNA position 5433, A replaced by G.
Molecular consequence: intron variant.
Genome position (GRCh38, 1-based): chr14:102,005,240, A>G. VCF-style: chr14-102005240-A-G. GRCh37 (hg19) VCF-style: chr14-102471577-A-G.
Other names: c.5433+4A>G (NM_001376.4).
Identifiers: ClinVar variation 1440265 (VCV001440265.8), dbSNP rs558658822, ClinGen allele CA7352414.

ClinVar aggregate classification (germline): Uncertain significance. Review status: criteria provided, multiple submitters, no conflicts (2 of 4 stars). 2 submissions from 2 submitters: Uncertain significance (2). Last evaluated 2026-03-12.

Conditions:
DYNC1H1-related disorder. Also called: DYNC1H1-related condition; DYNC1H1-related disorders. Identifiers: MedGen CN381529.
Charcot-Marie-Tooth disease axonal type 2O. Also called: CHARCOT-MARIE-TOOTH NEUROPATHY, AXONAL, TYPE 2O; CHARCOT-MARIE-TOOTH DISEASE, AXONAL, AUTOSOMAL DOMINANT, TYPE 2O; Charcot-Marie-Tooth Neuropathy Type 2O; Charcot-Marie-Tooth disease, axonal, type 20. Identifiers: Orphanet 284232, MedGen C3280220, MONDO:0013644, OMIM 614228.

Allele frequency attached by ClinVar (database versions not stated): gnomAD exomes 0.00002 and 0.00001; 1000 Genomes Project 30x 0.00016; 1000 Genomes Project 0.00020; ExAC 0.00001; gnomAD 0.00001 and 0.00002; TOPMed 0.00001.
gnomAD v4.1: 12 of 1,614,180 alleles (0.00074%); highest among the groups gnomAD compares: East Asian, 0.025%; no homozygotes.

Submissions (2):

PreventionGenetics, part of Exact Sciences
Classification: Uncertain significance for DYNC1H1-related condition. Last evaluated: 2026-03-12. Review status: criteria provided, single submitter. Criteria: ACMG Guidelines, 2015. Collection method: clinical testing. Allele origin: germline.
Comment: The DYNC1H1 c.5433+4A>G variant is predicted to interfere with splicing. This variant has been reported in an individual with Charcot-Marie-Tooth disease (Table S5, Xie et al. 2021. PubMed ID: 34255403). This variant is reported in 0.035% of alleles in individuals of East Asian descent in gnomAD. Although we suspect that this variant may be benign, at this time, the clinical significance of this variant is uncertain due to the absence of conclusive functional and genetic evidence.

Labcorp Genetics (formerly Invitae), Labcorp
Classification: Uncertain significance for Charcot-Marie-Tooth disease axonal type 2O. Last evaluated: 2025-06-29. Review status: criteria provided, single submitter. Criteria: Invitae Variant Classification Sherloc (09022015). Collection method: clinical testing. Allele origin: germline.
Comment: This sequence change falls in intron 26 of the DYNC1H1 gene. It does not directly change the encoded amino acid sequence of the DYNC1H1 protein. It affects a nucleotide within the consensus splice site. This variant is present in population databases (rs558658822, gnomAD 0.03%). This variant has been observed in individual(s) with clinical features of Charcot-Marie-Tooth disease (PMID: 34255403). ClinVar contains an entry for this variant (Variation ID: 1440265). Variants that disrupt the consensus splice site are a relatively common cause of aberrant splicing (PMID: 17576681, 9536098). Algorithms developed to predict the effect of sequence changes on RNA splicing suggest that this variant is not likely to affect RNA splicing. In summary, the available evidence is currently insufficient to determine the role of this variant in disease. Therefore, it has been classified as a Variant of Uncertain Significance.

Literature cited by the submitters: PubMed 34255403 (cited by Labcorp Genetics (formerly Invitae), Labcorp); PubMed 17576681 (cited by Labcorp Genetics (formerly Invitae), Labcorp); PubMed 9536098 (cited by Labcorp Genetics (formerly Invitae), Labcorp).